The following is an entry in ClinVar:

NM_016204.4(GDF2):c.1185_1191delinsTG (p.Thr396fs)

Gene: GDF2 (growth differentiation factor 2; plus strand). Cytogenetic location: 10q11.22.
Variant type: Indel.
Coding change: c.1185_1191delinsTG on transcript NM_016204.4 (MANE Select); coding-DNA positions 1185 to 1191, CACCAAA replaced by TG.
Protein change: p.Thr396fs; shifts the reading frame from threonine 396.
Molecular consequence: frameshift variant.
Genome position (GRCh38, 1-based): chr10:47,325,679-47,325,685, CACCAAA replaced by TG. VCF-style: chr10-47325679-CACCAAA-TG. GRCh37 (hg19) VCF-style: chr10-48413677-TTTGGTG-CA.
Other names: short protein forms T396fs.
Identifiers: ClinVar variation 2778406 (VCV002778406.3), dbSNP rs2549020220, ClinGen allele CA2739265400.

ClinVar aggregate classification (germline): Pathogenic (1 of 4 stars; one submission).

Conditions:
Telangiectasia, hereditary hemorrhagic, type 5 (HHT5). Identifiers: Orphanet 774, MedGen C3809710, MONDO:0014217, OMIM 615506.

Submission:

Labcorp Genetics (formerly Invitae), Labcorp
Classification: Pathogenic for Telangiectasia, hereditary hemorrhagic, type 5. Last evaluated: 2023-11-14. Review status: criteria provided, single submitter. Criteria: Invitae Variant Classification Sherloc (09022015). Collection method: clinical testing. Allele origin: germline.
Comment: This sequence change creates a premature translational stop signal (p.Thr396Alafs*11) in the GDF2 gene. While this is not anticipated to result in nonsense mediated decay, it is expected to disrupt the last 34 amino acid(s) of the GDF2 protein. This variant is not present in population databases (gnomAD no frequency). This variant has not been reported in the literature in individuals affected with GDF2-related conditions. Algorithms developed to predict the effect of sequence changes on RNA splicing suggest that this variant may create or strengthen a splice site. This variant disrupts a region of the GDF2 protein in which other variant(s) (p.Val423Met) have been determined to be pathogenic (PMID: 30578397, 31727138). This suggests that this is a clinically significant region of the protein, and that variants that disrupt it are likely to be disease-causing. For these reasons, this variant has been classified as Pathogenic.

Literature cited by the submitters: PubMed 30578397; PubMed 31727138.